The following is an entry in ClinVar:

NM_000152.5(GAA):c.1318A>G (p.Met440Val)

Gene: GAA (alpha glucosidase; plus strand). Cytogenetic location: 17q25.3.
Variant type: single nucleotide variant.
Coding change: c.1318A>G on transcript NM_000152.5 (MANE Select); coding-DNA position 1318, A replaced by G.
Protein change: p.Met440Val; replaces methionine 440 with valine.
Molecular consequence: missense variant.
Genome position (GRCh38, 1-based): chr17:80,108,820, A>G. VCF-style: chr17-80108820-A-G. GRCh37 (hg19) VCF-style: chr17-78082619-A-G.
Other names: c.1318A>G, p.Met440Val (NM_001079803.3, NM_001079804.3, NM_001406741.1 and 1 more transcripts); short protein forms M440V.
Identifiers: ClinVar variation 3698818 (VCV003698818.3).
Genomic context (GRCh38, chr17:80,108,820, plus strand): 5'-GGCTTCCGGGACTTCCCGGCCATGGTGCAGGAGCTGCACCAGGGCGGCCGGCGCTACATG[A>G]TGATCGTGGTGTGTGCCCCCACACTGTGGGTCTTTGGGAAGGGGGCCGCCCGGTGCCCAG-3'
Protein context (NP_000143.2, residues 430-450): ELHQGGRRYM[Met440Val]IVDPAISSSG

ClinVar aggregate classification (germline): Uncertain significance (1 of 4 stars; one submission).

Conditions:
Glycogen storage disease, type II (IOPD). Also called: Pompe Disease; CARDIOMEGALIA GLYCOGENICA DIFFUSA; GLYCOGENOSIS, GENERALIZED, CARDIAC FORM; GSD II; Glucosidase acid-1,4-alpha deficiency; Glycogen storage disease type 2. Identifiers: Orphanet 365, MedGen C0017921, MONDO:0009290, OMIM 232300.

Submissions (2):

Labcorp Genetics (formerly Invitae), Labcorp
Classification: Uncertain significance for Glycogen storage disease, type II. Last evaluated: 2024-09-03. Review status: criteria provided, single submitter. Criteria: Invitae Variant Classification Sherloc (09022015). Collection method: clinical testing. Allele origin: germline.
Comment: This sequence change replaces methionine, which is neutral and non-polar, with valine, which is neutral and non-polar, at codon 440 of the GAA protein (p.Met440Val). This variant is not present in population databases (gnomAD no frequency). This variant has not been reported in the literature in individuals affected with GAA-related conditions. Invitae Evidence Modeling of protein sequence and biophysical properties (such as structural, functional, and spatial information, amino acid conservation, physicochemical variation, residue mobility, and thermodynamic stability) has been performed for this missense variant. However, the output from this modeling did not meet the statistical confidence thresholds required to predict the impact of this variant on GAA protein function. Algorithms developed to predict the effect of sequence changes on RNA splicing suggest that this variant may create or strengthen a splice site. In summary, the available evidence is currently insufficient to determine the role of this variant in disease. Therefore, it has been classified as a Variant of Uncertain Significance.

Dr. Peter K. Rogan Lab, Western University
No classification provided (evidence only). Condition: Malignant tumor of urinary bladder. Review status: no classification provided. Collection method: in vitro. Allele origin: not applicable. Functional consequence: retained intron. Not counted in ClinVar's aggregate classification.